The following is an entry in ClinVar:

NM_001304359.2(MUC5AC):c.13629T>C (p.Thr4543=)

Gene: MUC5AC (mucin 5AC, oligomeric mucus/gel-forming; plus strand). Cytogenetic location: 11p15.5.
Variant type: single nucleotide variant.
Coding change: c.13629T>C on transcript NM_001304359.2 (MANE Select); coding-DNA position 13629, T replaced by C.
Protein change: p.Thr4543=; no amino-acid change (threonine 4543 retained).
Molecular consequence: synonymous variant.
Genome position (GRCh38, 1-based): chr11:1,191,774, T>C. VCF-style: chr11-1191774-T-C. GRCh37 (hg19) VCF-style: chr11-1212999-T-C.
Identifiers: ClinVar variation 4083581 (VCV004083581.8).
Genomic context (GRCh38, chr11:1,191,774, plus strand): 5'-TGCTCCTACAACCAGCACAACCTCTGCCTCTACAGCCAGCACAACCTCTGGTCCTGGAAC[T>C]TCTCTCAGCCCTGTTCCCACCACGAGCACAACCTCTGCTCCTACAACTAGCACAACCTCT-3'
Protein context (NP_001291288.1, residues 4533-4553): STASTTSGPG[Thr4543=]SLSPVPTTST

ClinVar aggregate classification (germline): Likely benign (1 of 4 stars; one submission).

Submission:

CeGaT Center for Human Genetics Tuebingen
Classification: Likely benign. Last evaluated: 2025-06-01. Review status: criteria provided, single submitter. Criteria: CeGaT Center For Human Genetics Tuebingen Variant Classification Criteria Version 2. Collection method: clinical testing. Allele origin: germline. Affected: yes. Observed: 1 variant allele.
Comment: MUC5AC: PM2:Supporting, BP4, BP7